The following is an entry in ClinVar:

NM_003743.5(NCOA1):c.3488C>T (p.Ala1163Val)

Gene: NCOA1 (nuclear receptor coactivator 1; plus strand). Cytogenetic location: 2p23.3.
Variant type: single nucleotide variant.
Coding change: c.3488C>T on transcript NM_003743.5 (MANE Select); coding-DNA position 3488, C replaced by T.
Protein change: p.Ala1163Val; replaces alanine 1163 with valine.
Molecular consequence: missense variant.
Genome position (GRCh38, 1-based): chr2:24,741,968, C>T. VCF-style: chr2-24741968-C-T. GRCh37 (hg19) VCF-style: chr2-24964837-C-T.
Other names: c.3488C>T, p.Ala1163Val (NM_001362950.1, NM_001362952.1, NM_001362954.1 and 3 more transcripts); short protein forms A1163V.
Identifiers: ClinVar variation 3354879 (VCV003354879.2).

ClinVar aggregate classification (germline): Uncertain significance. Review status: criteria provided, single submitter (1 of 4 stars). 2 submissions from 2 submitters: Uncertain significance (1). 1 of the submissions does not count toward it. Last evaluated 2025-09-11.

Conditions:
NCOA1-related disorder. Also called: NCOA1-related condition.

gnomAD v4.1: 4 of 1,614,104 alleles (0.00025%); highest among the groups gnomAD compares: Admixed American, 0.0067%; no homozygotes.

Submissions (2):

Ambry Genetics
Classification: Uncertain significance. Last evaluated: 2025-09-11. Review status: criteria provided, single submitter. Criteria: Ambry Variant Classification Scheme 2023. Collection method: clinical testing. Allele origin: germline.

PreventionGenetics, part of Exact Sciences
Classification: Uncertain significance for NCOA1-related condition. Last evaluated: 2024-03-04. Review status: no assertion criteria provided. Collection method: clinical testing. Allele origin: germline. Not counted in ClinVar's aggregate classification.
Comment: The NCOA1 c.3488C>T variant is predicted to result in the amino acid substitution p.Ala1163Val. To our knowledge, this variant has not been reported in the literature. This variant is reported in 0.0085% of alleles in individuals of Latino descent in gnomAD. At this time, the clinical significance of this variant is uncertain due to the absence of conclusive functional and genetic evidence.